The following is an entry in ClinVar:

NM_002591.4(PCK1):c.*408T>G

Gene: PCK1 (phosphoenolpyruvate carboxykinase 1; plus strand). Cytogenetic location: 20q13.31.
Variant type: single nucleotide variant.
Coding change: c.*408T>G on transcript NM_002591.4 (MANE Select); 408 bases downstream of the stop codon, T replaced by G.
Molecular consequence: 3 prime UTR variant.
Genome position (GRCh38, 1-based): chr20:57,566,212, T>G. VCF-style: chr20-57566212-T-G. GRCh37 (hg19) VCF-style: chr20-56141268-T-G.
Identifiers: ClinVar variation 896163 (VCV000896163.4), dbSNP rs139159526, ClinGen allele CA316283448.

ClinVar aggregate classification (germline): Likely benign (1 of 4 stars; one submission).

Conditions:
Phosphoenolpyruvate carboxykinase deficiency, cytosolic (PCKDC). Also called: PCK1 DEFICIENCY, CYTOSOLIC; PEPCK DEFICIENCY, CYTOSOLIC. Identifiers: Orphanet 2880, MedGen C5574905, MONDO:0009866, OMIM 261680.

Allele frequency attached by ClinVar (database versions not stated): gnomAD exomes 0.00013; TOPMed 0.00108; gnomAD 0.00111 and 0.00121; 1000 Genomes Project 30x 0.00187; 1000 Genomes Project 0.00200.
gnomAD v4.1: 169 of 168,596 alleles (0.1%); highest among the groups gnomAD compares: African/African-American, 0.39%; 1 homozygote.

Submission:

Illumina Laboratory Services, Illumina
Classification: Likely benign for Phosphoenolpyruvate carboxykinase deficiency, cytosolic. Last evaluated: 2018-01-12. Review status: criteria provided, single submitter. Criteria: ICSL Variant Classification Criteria 13 December 2019. Collection method: clinical testing. Allele origin: germline.
Comment: This variant was observed in the ICSL laboratory as part of a predisposition screen in an ostensibly healthy population. It had not been previously curated by ICSL or reported in the Human Gene Mutation Database (HGMD: prior to June 1st, 2018), and was therefore a candidate for classification through an automated scoring system. Utilizing variant allele frequency, disease prevalence and penetrance estimates, and inheritance mode, an automated score was calculated to assess if this variant is too frequent to cause the disease. Based on the score and internal cut-off values, a variant classified as likely benign is not then subjected to further curation. The score for this variant resulted in a classification of likely benign for this disease.